The following is an entry in ClinVar:

NM_001040716.2(PC):c.3288+20C>T

Gene: PC (pyruvate carboxylase; minus strand). Cytogenetic location: 11q13.2.
Variant type: single nucleotide variant.
Coding change: c.3288+20C>T on transcript NM_001040716.2 (MANE Select); 20 bases into the intron after coding-DNA position 3288, C replaced by T.
Molecular consequence: intron variant.
Genome position (GRCh38, 1-based): chr11:66,849,210, G>A on the plus strand (C>T on the coding strand, the complement: PC is on the minus strand). VCF-style: chr11-66849210-G-A. GRCh37 (hg19) VCF-style: chr11-66616681-G-A.
Other names: c.3288+20C>T (NM_000920.4, NM_022172.3).
Identifiers: ClinVar variation 382093 (VCV000382093.4), dbSNP rs750712278, ClinGen allele CA6130841.

ClinVar aggregate classification (germline): Likely benign. Review status: criteria provided, multiple submitters, no conflicts (2 of 4 stars). 2 submissions from 2 submitters: Likely benign (2). Last evaluated 2023-11-06.

Conditions:
Pyruvate carboxylase deficiency. Also called: LEIGH NECROTIZING ENCEPHALOPATHY DUE TO PYRUVATE CARBOXYLASE DEFICIENCY; LEIGH SYNDROME DUE TO PYRUVATE CARBOXYLASE DEFICIENCY; PC DEFICIENCY; Pyruvate Carboxylase Deficiency Disease; ATAXIA WITH LACTIC ACIDOSIS II. Identifiers: Orphanet 3008, MedGen C0034341, MONDO:0009949, OMIM 266150.

Allele frequency attached by ClinVar (database versions not stated): gnomAD 0.00001; gnomAD exomes 0.00001 and 0.00002; ExAC 0.00003.
gnomAD v4.1: 8 of 1,613,702 alleles (0.0005%); highest among the groups gnomAD compares: African/African-American, 0.0027%; no homozygotes.

Submissions (2):

Labcorp Genetics (formerly Invitae), Labcorp
Classification: Likely benign for Pyruvate carboxylase deficiency. Last evaluated: 2023-11-06. Review status: criteria provided, single submitter. Criteria: Invitae Variant Classification Sherloc (09022015). Collection method: clinical testing. Allele origin: germline.

GeneDx
Classification: Likely benign. Last evaluated: 2018-02-15. Review status: criteria provided, single submitter. Criteria: GeneDx Variant Classification (06012015). Collection method: clinical testing. Allele origin: germline. Affected: yes.
Comment: This variant is considered likely benign or benign based on one or more of the following criteria: it is a conservative change, it occurs at a poorly conserved position in the protein, it is predicted to be benign by multiple in silico algorithms, and/or has population frequency not consistent with disease.